The following is an entry in ClinVar:

NC_000002.11:g.(?_170336064)_(170361092_?)dup

Gene: BBS5 (Bardet-Biedl syndrome 5; plus strand). Cytogenetic location: 2q31.1.
Variant type: Duplication.
Identifiers: ClinVar variation 3247207 (VCV003247207.1).

ClinVar aggregate classification (germline): Uncertain significance (1 of 4 stars; one submission).

Conditions:
Bardet-Biedl syndrome (BBS). Identifiers: Orphanet 110, MedGen C0752166, MONDO:0015229.

Submission:

Labcorp Genetics (formerly Invitae), Labcorp
Classification: Uncertain significance for Bardet-Biedl syndrome. Last evaluated: 2024-01-02. Review status: criteria provided, single submitter. Criteria: Invitae Variant Classification Sherloc (09022015). Collection method: clinical testing. Allele origin: unknown.
Comment: A copy number gain of the genomic region encompassing the full coding sequence of the BBS5 gene has been identified. The boundaries of this event are unknown as they extend beyond the assayed region for this gene and therefore may encompass additional genes. As the precise location of this event is unknown, it may be in tandem or it may be located elsewhere in the genome. This variant has not been reported in the literature in individuals affected with BBS5-related conditions. In summary, the available evidence is currently insufficient to determine the role of this variant in disease. Therefore, it has been classified as a Variant of Uncertain Significance.